The following is an entry in ClinVar:

NM_000143.4(FH):c.1002T>G (p.Ser334Arg)

Gene: FH (fumarate hydratase; minus strand). Cytogenetic location: 1q43.
Variant type: single nucleotide variant.
Coding change: c.1002T>G on transcript NM_000143.4 (MANE Select); coding-DNA position 1002, T replaced by G.
Protein change: p.Ser334Arg; replaces serine 334 with arginine.
Molecular consequence: missense variant.
Genome position (GRCh38, 1-based): chr1:241,504,148, A>C on the plus strand (T>G on the coding strand, the complement: FH is on the minus strand). VCF-style: chr1-241504148-A-C. GRCh37 (hg19) VCF-style: chr1-241667448-A-C.
Other names: short protein forms S334R.
Identifiers: ClinVar variation 2506143 (VCV002506143.2), dbSNP rs2147916185, ClinGen allele CA345438245.

ClinVar aggregate classification (germline): Conflicting classifications of pathogenicity. Review status: criteria provided, conflicting classifications (1 of 4 stars). 2 submissions from 2 submitters: Likely pathogenic (1); Uncertain significance (1). Last evaluated 2024-09-05.

Conditions:
Hereditary leiomyomatosis and renal cell cancer. Also called: MULTIPLE CUTANEOUS AND UTERINE LEIOMYOMATA 1, WITH OR WITHOUT RENAL CELL CARCINOMA; LEIOMYOMA, MULTIPLE CUTANEOUS; Multiple cutaneous leiomyomas; Reed syndrome; Multiple cutaneous and uterine leiomyomatosis; Cutaneous leiomyomata with uterine leiomyomata. Identifiers: Orphanet 523, MedGen C1708350, MONDO:0007888, OMIM 150800, HP:0007437. Disease mechanism: loss of function.

Submissions (2):

Molecular Pathology, Peter Maccallum Cancer Centre
Classification: Uncertain significance for Hereditary leiomyomatosis and renal cell cancer. Last evaluated: 2024-09-05. Review status: criteria provided, single submitter. Criteria: ACMG Guidelines, 2015. Collection method: clinical testing. Allele origin: germline. Inheritance: Autosomal dominant inheritance.

Women's Health and Genetics/Laboratory Corporation of America, LabCorp
Classification: Likely pathogenic for Hereditary leiomyomatosis and renal cell cancer. Last evaluated: 2023-05-22. Review status: criteria provided, single submitter. Criteria: LabCorp Variant Classification Summary - May 2015. Collection method: clinical testing. Allele origin: germline.
Comment: Variant summary: FH c.1002T>G (p.Ser334Arg) results in a non-conservative amino acid change located in the fumarate lyase, N-terminal domain (IPR022761) of the encoded protein sequence. Five of five in-silico tools predict a damaging effect of the variant on protein function. The variant was absent in 251288 control chromosomes (gnomAD). These data indicate that the variant is likely associated with disease. To our knowledge, no experimental evidence demonstrating an impact on protein function has been reported. The following publications have been ascertained in the context of this evaluation (PMID: 18514489, 20618355, 22086304). No clinical diagnostic laboratories have submitted clinical-significance assessments for this variant to ClinVar after 2014. However, two submitters have provided assessments for a variant resulting in the same amino acid change (c.1000A>C, p.Ser334Arg) and both classified it as likely pathogenic. Based on the evidence outlined above, the variant was classified as likely pathogenic.

Literature cited by the submitters: PubMed 18514489 (cited by Women's Health and Genetics/Laboratory Corporation of America, LabCorp); PubMed 20618355 (cited by Women's Health and Genetics/Laboratory Corporation of America, LabCorp); PubMed 22086304 (cited by Women's Health and Genetics/Laboratory Corporation of America, LabCorp).